The following is an entry in ClinVar:

NM_017999.5(RNF31):c.3216G>C (p.Lys1072Asn)

Gene: RNF31 (ring finger protein 31; plus strand). Cytogenetic location: 14q12.
Variant type: single nucleotide variant.
Coding change: c.3216G>C on transcript NM_017999.5 (MANE Select); coding-DNA position 3216, G replaced by C.
Protein change: p.Lys1072Asn; replaces lysine 1072 with asparagine.
Molecular consequence: missense variant.
Genome position (GRCh38, 1-based): chr14:24,160,570, G>C. VCF-style: chr14-24160570-G-C. GRCh37 (hg19) VCF-style: chr14-24629779-G-C.
Other names: c.2763G>C, p.Lys921Asn (NM_001310332.2); short protein forms K1072N, K921N.
Identifiers: ClinVar variation 1965107 (VCV001965107.5), dbSNP rs2502030801, ClinGen allele CA389197462.

ClinVar aggregate classification (germline): Uncertain significance (1 of 4 stars; one submission).

Submission:

Labcorp Genetics (formerly Invitae), Labcorp
Classification: Uncertain significance. Last evaluated: 2022-04-01. Review status: criteria provided, single submitter. Criteria: Invitae Variant Classification Sherloc (09022015). Collection method: clinical testing. Allele origin: germline.
Comment: This sequence change replaces lysine, which is basic and polar, with asparagine, which is neutral and polar, at codon 1072 of the RNF31 protein (p.Lys1072Asn). This variant is not present in population databases (gnomAD no frequency). This variant has not been reported in the literature in individuals affected with RNF31-related conditions. Algorithms developed to predict the effect of missense changes on protein structure and function (SIFT, PolyPhen-2, Align-GVGD) all suggest that this variant is likely to be tolerated. In summary, the available evidence is currently insufficient to determine the role of this variant in disease. Therefore, it has been classified as a Variant of Uncertain Significance.